The following is an entry in ClinVar:

NM_001318510.2(ACSL4):c.395A>G (p.Tyr132Cys)

Gene: ACSL4 (acyl-CoA synthetase long chain family member 4; minus strand). Cytogenetic location: Xq23.
Variant type: single nucleotide variant.
Coding change: c.395A>G on transcript NM_001318510.2 (MANE Select); coding-DNA position 395, A replaced by G.
Protein change: p.Tyr132Cys; replaces tyrosine 132 with cysteine.
Molecular consequence: missense variant.
Genome position (GRCh38, 1-based): chrX:109,682,730, T>C on the plus strand (A>G on the coding strand, the complement: ACSL4 is on the minus strand). VCF-style: chrX-109682730-T-C. GRCh37 (hg19) VCF-style: chrX-108925959-T-C.
Other names: c.395A>G (NM_004458.2); c.518A>G, p.Tyr173Cys (NM_001318509.2, NM_022977.3); c.395A>G, p.Tyr132Cys (NM_004458.3); short protein forms Y132C, Y173C.
Identifiers: ClinVar variation 2661184 (VCV002661184.24), dbSNP rs753396090, ClinGen allele CA414218443.

ClinVar aggregate classification (germline): Uncertain significance. Review status: criteria provided, multiple submitters, no conflicts (2 of 4 stars). 2 submissions from 2 submitters: Uncertain significance (2). Last evaluated 2025-12-09.

Conditions:
Inborn genetic diseases. Identifiers: MedGen C0950123, MeSH D030342.

gnomAD v4.1: 10 of 1,211,759 alleles (0.00083%); highest among the groups gnomAD compares: Non-Finnish European, 0.001%; no homozygotes.

Submissions (2):

Ambry Genetics
Classification: Uncertain significance for Inborn genetic diseases. Last evaluated: 2025-12-09. Review status: criteria provided, single submitter. Criteria: Ambry Variant Classification Scheme 2023. Collection method: clinical testing. Allele origin: germline.

CeGaT Center for Human Genetics Tuebingen
Classification: Uncertain significance. Last evaluated: 2023-05-01. Review status: criteria provided, single submitter. Criteria: CeGaT Center For Human Genetics Tuebingen Variant Classification Criteria Version 2. Collection method: clinical testing. Allele origin: germline. Affected: yes. Observed: 1 variant allele.
Comment: ACSL4: PM2